The following is an entry in ClinVar:

ClinVar aggregate classification (germline): Uncertain significance (1 of 4 stars; one submission).

Conditions:
PLXNA3-related disorder. Also called: PLXNA3-related condition.

gnomAD v4.1: 6 of 1,201,200 alleles (0.0005%); highest among the groups gnomAD compares: Admixed American, 0.0044%; no homozygotes.

Submission:

PreventionGenetics, part of Exact Sciences
Classification: Uncertain significance for PLXNA3-related condition. Last evaluated: 2026-01-20. Review status: criteria provided, single submitter. Criteria: ACMG Guidelines, 2015. Collection method: clinical testing. Allele origin: germline.
Comment: The PLXNA3 c.3974A>G variant is predicted to result in the amino acid substitution p.Asn1325Ser. To our knowledge, this variant has not been reported in the literature or in a large population database (gnomAD), indicating this variant is rare. At this time, the clinical significance of this variant is uncertain due to the absence of conclusive functional and genetic evidence.

NM_017514.5(PLXNA3):c.3974A>G (p.Asn1325Ser)

Gene: PLXNA3 (plexin A3; plus strand). Cytogenetic location: Xq28.
Variant type: single nucleotide variant.
Coding change: c.3974A>G on transcript NM_017514.5 (MANE Select); coding-DNA position 3974, A replaced by G.
Protein change: p.Asn1325Ser; replaces asparagine 1325 with serine.
Molecular consequence: missense variant.
Genome position (GRCh38, 1-based): chrX:154,468,313, A>G. VCF-style: chrX-154468313-A-G. GRCh37 (hg19) VCF-style: chrX-153696656-A-G.
Other names: short protein forms N1325S.
Identifiers: ClinVar variation 4989183 (VCV004989183.1).